The following is an entry in ClinVar:

ClinVar aggregate classification (germline): Uncertain significance. Review status: criteria provided, multiple submitters, no conflicts (2 of 4 stars). 2 submissions from 2 submitters: Uncertain significance (2). Last evaluated 2024-07-31.

Conditions:
Inborn genetic diseases. Identifiers: MedGen C0950123, MeSH D030342.

Allele frequency attached by ClinVar (database versions not stated): gnomAD 0.00001; gnomAD exomes 0.00001; TOPMed 0.00001; ExAC 0.00002.
gnomAD v4.1: 18 of 1,567,264 alleles (0.0011%); highest among the groups gnomAD compares: East Asian, 0.0067%; no homozygotes.

Submissions (2):

Labcorp Genetics (formerly Invitae), Labcorp
Classification: Uncertain significance. Last evaluated: 2024-07-31. Review status: criteria provided, single submitter. Criteria: Invitae Variant Classification Sherloc (09022015). Collection method: clinical testing. Allele origin: germline.
Comment: This sequence change replaces isoleucine, which is neutral and non-polar, with methionine, which is neutral and non-polar, at codon 738 of the DNA2 protein (p.Ile738Met). This variant is present in population databases (rs745984809, gnomAD 0.04%). This variant has not been reported in the literature in individuals affected with DNA2-related conditions. Advanced modeling of protein sequence and biophysical properties (such as structural, functional, and spatial information, amino acid conservation, physicochemical variation, residue mobility, and thermodynamic stability) performed at Invitae indicates that this missense variant is expected to disrupt DNA2 protein function with a positive predictive value of 80%. In summary, the available evidence is currently insufficient to determine the role of this variant in disease. Therefore, it has been classified as a Variant of Uncertain Significance.

Ambry Genetics
Classification: Uncertain significance for Inborn genetic diseases. Last evaluated: 2023-12-15. Review status: criteria provided, single submitter. Criteria: Ambry Variant Classification Scheme 2023. Collection method: clinical testing. Allele origin: germline.

NM_001080449.3(DNA2):c.2214A>G (p.Ile738Met)

Gene: DNA2 (DNA replication helicase/nuclease 2; minus strand). Cytogenetic location: 10q21.3.
Variant type: single nucleotide variant.
Coding change: c.2214A>G on transcript NM_001080449.3 (MANE Select); coding-DNA position 2214, A replaced by G.
Protein change: p.Ile738Met; replaces isoleucine 738 with methionine.
Molecular consequence: missense variant. On other transcripts: non-coding transcript variant (1).
Genome position (GRCh38, 1-based): chr10:68,422,885, T>C on the plus strand (A>G on the coding strand, the complement: DNA2 is on the minus strand). VCF-style: chr10-68422885-T-C. GRCh37 (hg19) VCF-style: chr10-70182642-T-C.
Other names: c.2214A>G (NM_001080449.2); short protein forms I738M.
Identifiers: ClinVar variation 2788139 (VCV002788139.4), dbSNP rs745984809, ClinGen allele CA5524867.